The following is an entry in ClinVar:

ClinVar aggregate classification (germline): Uncertain significance (1 of 4 stars; one submission).

Conditions:
Hereditary cancer-predisposing syndrome. Also called: Neoplastic Syndromes, Hereditary; Tumor predisposition; Hereditary Cancer Syndrome; Hereditary neoplastic syndrome. Identifiers: Orphanet 140162, MedGen C0027672, MeSH D009386, MONDO:0015356.

Submission:

Ambry Genetics
Classification: Uncertain significance for Hereditary cancer-predisposing syndrome. Last evaluated: 2026-02-27. Review status: criteria provided, single submitter. Criteria: Ambry Variant Classification Scheme 2023. Collection method: clinical testing. Allele origin: germline.
Comment: The p.G169D variant (also known as c.506G>A), located in coding exon 4 of the CDH1 gene, results from a G to A substitution at nucleotide position 506. The glycine at codon 169 is replaced by aspartic acid, an amino acid with similar properties. This amino acid position is highly conserved in available vertebrate species. In addition, this alteration is predicted to be deleterious by in silico analysis. Based on the available evidence, the clinical significance of this variant remains unclear.

NM_004360.5(CDH1):c.506G>A (p.Gly169Asp)

Gene: CDH1 (cadherin 1; plus strand). Cytogenetic location: 16q22.1.
Variant type: single nucleotide variant.
Coding change: c.506G>A on transcript NM_004360.5 (MANE Select); coding-DNA position 506, G replaced by A.
Protein change: p.Gly169Asp; replaces glycine 169 with aspartic acid.
Molecular consequence: missense variant. On other transcripts: 5 prime UTR variant (2).
Genome position (GRCh38, 1-based): chr16:68,808,542, G>A. VCF-style: chr16-68808542-G-A. GRCh37 (hg19) VCF-style: chr16-68842445-G-A.
Other names: c.506G>A, p.Gly169Asp (NM_001317184.2); c.-1110G>A (NM_001317185.2); c.-1314G>A (NM_001317186.2); short protein forms G169D.
Identifiers: ClinVar variation 4825328 (VCV004825328.1).